The following is an entry in ClinVar:

NM_005097.4(LGI1):c.701_702dup (p.Gln235fs)

Gene: LGI1 (leucine rich glioma inactivated 1; plus strand). Cytogenetic location: 10q23.33.
Variant type: Duplication.
Coding change: c.701_702dup on transcript NM_005097.4 (MANE Select); coding-DNA positions 701 to 702, 2 bases duplicated (AT; older notation c.701_702dupAT).
Protein change: p.Gln235fs; shifts the reading frame from glutamine 235.
Molecular consequence: frameshift variant. On other transcripts: non-coding transcript variant (1).
Genome position (GRCh38, 1-based): chr10:93,793,213-93,793,214, AT duplicated; duplicating any 2 consecutive bases within chr10:93,793,212-93,793,214 gives the same sequence; the c. name uses the placement nearest the transcript's 3' end. VCF-style (leftmost placement, unchanged base first): chr10-93793211-T-TTA. GRCh37 (hg19) VCF-style: chr10-95552968-T-TTA.
Other names: c.701_702dup, p.Gln235fs (NM_001308275.2); c.557_558dup, p.Gln187fs (NM_001308276.2); short protein forms Q187fs, Q235fs.
Identifiers: ClinVar variation 2664977 (VCV002664977.2), dbSNP rs2492905831, ClinGen allele CA2695201011.

ClinVar aggregate classification (germline): Likely pathogenic (1 of 4 stars; one submission).

Conditions:
Epilepsy, familial temporal lobe, 1. Identifiers: Orphanet 101046, MedGen CN030884, MONDO:0700090, OMIM 600512.

Submission:

Institute of Human Genetics, University of Leipzig Medical Center
Classification: Likely pathogenic for Epilepsy, familial temporal lobe, 1. Last evaluated: 2023-11-17. Review status: criteria provided, single submitter. Criteria: ACMG Guidelines, 2015. Collection method: clinical testing. Allele origin: unknown. Inheritance: Autosomal dominant inheritance. Affected: yes.
Comment: Criteria applied: PVS1,PM2_SUP